The following is an entry in ClinVar:

ClinVar aggregate classification (germline): Uncertain significance (1 of 4 stars; one submission).

Submission:

Ambry Genetics
Classification: Uncertain significance. Last evaluated: 2025-04-05. Review status: criteria provided, single submitter. Criteria: Ambry Variant Classification Scheme 2023. Collection method: clinical testing. Allele origin: germline.
Comment: The p.P545L variant (also known as c.1634C>T), located in coding exon 2 of the CDK12 gene, results from a C to T substitution at nucleotide position 1634. The proline at codon 545 is replaced by leucine, an amino acid with similar properties. This amino acid position is conserved. In addition, the in silico prediction for this alteration is inconclusive. Based on the available evidence, the clinical significance of this variant remains unclear.

NM_016507.4(CDK12):c.1634C>T (p.Pro545Leu)

Gene: CDK12 (cyclin dependent kinase 12; plus strand). Cytogenetic location: 17q12.
Variant type: single nucleotide variant.
Coding change: c.1634C>T on transcript NM_016507.4 (MANE Select); coding-DNA position 1634, C replaced by T.
Protein change: p.Pro545Leu; replaces proline 545 with leucine.
Molecular consequence: missense variant.
Genome position (GRCh38, 1-based): chr17:39,471,466, C>T. VCF-style: chr17-39471466-C-T. GRCh37 (hg19) VCF-style: chr17-37627719-C-T.
Other names: c.1634C>T, p.Pro545Leu (NM_015083.4); short protein forms P545L.
Identifiers: ClinVar variation 3999322 (VCV003999322.1).